The following is an entry in ClinVar:

NM_001122630.2(CDKN1C):c.26C>G (p.Thr9Ser)

Gene: CDKN1C (cyclin dependent kinase inhibitor 1C; minus strand). Cytogenetic location: 11p15.4.
Variant type: single nucleotide variant.
Coding change: c.26C>G on transcript NM_001122630.2 (MANE Select); coding-DNA position 26, C replaced by G.
Protein change: p.Thr9Ser; replaces threonine 9 with serine.
Molecular consequence: missense variant.
Genome position (GRCh38, 1-based): chr11:2,885,431, G>C on the plus strand (C>G on the coding strand, the complement: CDKN1C is on the minus strand). VCF-style: chr11-2885431-G-C. GRCh37 (hg19) VCF-style: chr11-2906661-G-C.
Other names: c.59C>G, p.Thr20Ser (NM_000076.2, NM_001362474.2); c.26C>G, p.Thr9Ser (NM_001122631.2, NM_001362475.2); short protein forms T20S, T9S.
Identifiers: ClinVar variation 1009166 (VCV001009166.6), dbSNP rs1848981377, ClinGen allele CA379147908.

ClinVar aggregate classification (germline): Uncertain significance (1 of 4 stars; one submission).

Conditions:
Beckwith-Wiedemann syndrome (BWS). Also called: EMG SYNDROME; Exomphalos macroglossia gigantism syndrome. Identifiers: Orphanet 116, MedGen C0004903, MONDO:0007534, OMIM 130650.

Submission:

Labcorp Genetics (formerly Invitae), Labcorp
Classification: Uncertain significance for Beckwith-Wiedemann syndrome. Last evaluated: 2023-07-07. Review status: criteria provided, single submitter. Criteria: Invitae Variant Classification Sherloc (09022015). Collection method: clinical testing. Allele origin: germline.
Comment: In summary, the available evidence is currently insufficient to determine the role of this variant in disease. Therefore, it has been classified as a Variant of Uncertain Significance. This sequence change replaces threonine, which is neutral and polar, with serine, which is neutral and polar, at codon 20 of the CDKN1C protein (p.Thr20Ser). This variant is not present in population databases (gnomAD no frequency). This variant has not been reported in the literature in individuals affected with CDKN1C-related conditions. ClinVar contains an entry for this variant (Variation ID: 1009166). Advanced modeling of protein sequence and biophysical properties (such as structural, functional, and spatial information, amino acid conservation, physicochemical variation, residue mobility, and thermodynamic stability) performed at Invitae indicates that this missense variant is not expected to disrupt CDKN1C protein function.